The following is an entry in ClinVar:

ClinVar aggregate classification (germline): Uncertain significance (1 of 4 stars; one submission).

Conditions:
Long QT syndrome (LQTS). Identifiers: MedGen C0023976, MeSH D008133, MONDO:0002442. Disease mechanism: loss of function. Inheritance: Various modes of inheritance.

Submission:

Labcorp Genetics (formerly Invitae), Labcorp
Classification: Uncertain significance for Long QT syndrome. Last evaluated: 2024-10-15. Review status: criteria provided, single submitter. Criteria: Invitae Variant Classification Sherloc (09022015). Collection method: clinical testing. Allele origin: germline.
Comment: This sequence change replaces arginine, which is basic and polar, with serine, which is neutral and polar, at codon 892 of the KCNH2 protein (p.Arg892Ser). This variant is not present in population databases (gnomAD no frequency). This variant has not been reported in the literature in individuals affected with KCNH2-related conditions. ClinVar contains an entry for this variant (Variation ID: 1391052). An algorithm developed to predict the effect of missense changes on protein structure and function (PolyPhen-2) suggests that this variant is likely to be disruptive. In summary, the available evidence is currently insufficient to determine the role of this variant in disease. Therefore, it has been classified as a Variant of Uncertain Significance.

NM_000238.4(KCNH2):c.2674C>A (p.Arg892Ser)

Gene: KCNH2 (potassium voltage-gated channel subfamily H member 2; minus strand). Cytogenetic location: 7q36.1.
Variant type: single nucleotide variant.
Coding change: c.2674C>A on transcript NM_000238.4 (MANE Select); coding-DNA position 2674, C replaced by A.
Protein change: p.Arg892Ser; replaces arginine 892 with serine.
Molecular consequence: missense variant.
Genome position (GRCh38, 1-based): chr7:150,948,462, G>T on the plus strand (C>A on the coding strand, the complement: KCNH2 is on the minus strand). VCF-style: chr7-150948462-G-T. GRCh37 (hg19) VCF-style: chr7-150645550-G-T.
Other names: c.1654C>A, p.Arg552Ser (NM_172057.3); short protein forms R552S, R892S.
Identifiers: ClinVar variation 1391052 (VCV001391052.8), dbSNP rs201627778, ClinGen allele CA369853658.
Genomic context (GRCh38, chr7:150,948,462, plus strand): 5'-CCTTGTCCCCGCCCTCCCCCTTCCTCCCCTCCCCCGCCTCACCCTTGTCCGTGCGCCTGC[G>T]GAAGGACAACTTGCGCTTGCGTTGCCGACTGAAGCCACCCTCTAACTCCGTACTGCCGGG-3'
Protein context (NP_000229.1, residues 882-902): SRQRKRKLSF[Arg892Ser]RRTDKDTEQP